The following is an entry in ClinVar:

ClinVar aggregate classification (germline): Pathogenic (1 of 4 stars; one submission).

Conditions:
Familial intrahepatic cholestasis. Identifiers: Orphanet 284385, MedGen CN296401, MONDO:0017290.

Submission:

Genomenon, Inc
Classification: Pathogenic for Familial intrahepatic cholestasis. Last evaluated: 2026-04-14. Review status: criteria provided, single submitter. Criteria: Genomenon Sequence Variant Interpretation Standards - Updated. Collection method: curation. Allele origin: germline. Affected: yes.
Comment: ABCB11 p.Gly877AspfsTer8 (c.2630_2631del) is a frameshift variant that results in the production of a truncated protein which is predicted to undergo nonsense-mediated mRNA decay. This variant has been observed in at least one proband with an ABCB11-related disorder (PMID:30366773). It is absent or not present at a significant frequency in gnomAD. In conclusion, we classify ABCB11 p.Gly877AspfsTer8 (c.2630_2631del) as a pathogenic variant.

Literature cited by the submitters: PubMed 30366773.

NM_003742.4(ABCB11):c.2630_2631del (p.Gly877fs)

Genes: ABCB11 (ATP binding cassette subfamily B member 11; minus strand), LOC126806400 (CDK7 strongly-dependent group 2 enhancer GRCh37_chr2:169791870-169793069; plus strand). Cytogenetic location: 2q31.1.
Variant type: Deletion.
Coding change: c.2630_2631del on transcript NM_003742.4 (MANE Select); coding-DNA positions 2630 to 2631, 2 bases deleted (GG; older notation c.2630_2631delGG).
Protein change: p.Gly877fs; shifts the reading frame from glycine 877.
Molecular consequence: frameshift variant.
Genome position (GRCh38, 1-based): chr2:168,936,413-168,936,414, CC deleted on the plus strand (GG on the coding strand, the reverse complement: ABCB11 is on the minus strand); deleting any 2 consecutive bases within chr2:168,936,413-168,936,415 gives the same sequence; the c. name uses the placement nearest the transcript's 3' end. VCF-style (leftmost placement, unchanged base first): chr2-168936412-TCC-T. GRCh37 (hg19) VCF-style: chr2-169792922-TCC-T.
Other names: short protein forms G877fs.
Identifiers: ClinVar variation 4846036 (VCV004846036.1).